The following is an entry in ClinVar:

ClinVar aggregate classification (germline): Uncertain significance (1 of 4 stars; one submission).

gnomAD v4.1: 8 of 1,614,124 alleles (0.0005%); highest among the groups gnomAD compares: Non-Finnish European, 0.00068%; no homozygotes.

Submission:

Labcorp Genetics (formerly Invitae), Labcorp
Classification: Uncertain significance. Last evaluated: 2025-02-20. Review status: criteria provided, single submitter. Criteria: Invitae Variant Classification Sherloc (09022015). Collection method: clinical testing. Allele origin: germline.
Comment: This sequence change replaces isoleucine, which is neutral and non-polar, with serine, which is neutral and polar, at codon 663 of the FCHO1 protein (p.Ile663Ser). This variant is not present in population databases (gnomAD no frequency). This variant has not been reported in the literature in individuals affected with FCHO1-related conditions. An algorithm developed to predict the effect of missense changes on protein structure and function (PolyPhen-2) suggests that this variant is likely to be tolerated. In summary, the available evidence is currently insufficient to determine the role of this variant in disease. Therefore, it has been classified as a Variant of Uncertain Significance.

NM_015122.3(FCHO1):c.1988T>G (p.Ile663Ser)

Gene: FCHO1 (FCH and mu domain containing endocytic adaptor 1; plus strand). Cytogenetic location: 19p13.11.
Variant type: single nucleotide variant.
Coding change: c.1988T>G on transcript NM_015122.3 (MANE Select); coding-DNA position 1988, T replaced by G.
Protein change: p.Ile663Ser; replaces isoleucine 663 with serine.
Molecular consequence: missense variant. On other transcripts: non-coding transcript variant (36).
Genome position (GRCh38, 1-based): chr19:17,783,067, T>G. VCF-style: chr19-17783067-T-G. GRCh37 (hg19) VCF-style: chr19-17893876-T-G.
Other names: c.1988T>G, p.Ile663Ser (NM_001161357.2, NM_001161358.2, NM_001384370.1 and 13 more transcripts); c.1838T>G, p.Ile613Ser (NM_001161359.2, NM_001384384.1, NM_001384385.1 and 1 more transcripts); c.1949T>G, p.Ile650Ser (NM_001384388.1, NM_001384389.1, NM_001384405.1); c.1913T>G, p.Ile638Ser (NM_001384390.1); c.1871T>G, p.Ile624Ser (NM_001384392.1, NM_001384393.1, NM_001384394.1 and 1 more transcripts); c.1712T>G, p.Ile571Ser (NM_001384396.1, NM_001384397.1, NM_001384398.1 and 5 more transcripts); c.1667T>G, p.Ile556Ser (NM_001384403.1); c.1562T>G, p.Ile521Ser (NM_001384406.1); and 1 more; short protein forms I473S, I521S, I556S, I571S, I613S, I624S, I638S, I650S.
Identifiers: ClinVar variation 4811535 (VCV004811535.1).